The following is an entry in ClinVar:

ClinVar aggregate classification (germline): Pathogenic (1 of 4 stars; one submission).

Conditions:
Hereditary cancer-predisposing syndrome. Also called: Neoplastic Syndromes, Hereditary; Tumor predisposition; Hereditary Cancer Syndrome; Hereditary neoplastic syndrome. Identifiers: Orphanet 140162, MedGen C0027672, MeSH D009386, MONDO:0015356.

Submission:

Ambry Genetics
Classification: Pathogenic for Hereditary cancer-predisposing syndrome. Last evaluated: 2026-01-23. Review status: criteria provided, single submitter. Criteria: Ambry Variant Classification Scheme 2023. Collection method: clinical testing. Allele origin: germline.
Comment: The c.1479dupA pathogenic mutation, located in coding exon 10 of the FH gene, results from a duplication of A at nucleotide position 1479, causing a translational frameshift with a predicted alternate stop codon (p.A494Sfs*5). This variant occurs at the 3' terminus of the gene, is not expected to trigger nonsense-mediated mRNA decay, and impacts the last 3.3% of the protein. However, premature stop codons are typically deleterious in nature and the impacted region is critical for protein function (Ambry internal data). This variant is considered to be rare based on population cohorts in the Genome Aggregation Database (gnomAD). Based on the supporting evidence, this variant is interpreted as a disease-causing mutation.

NM_000143.4(FH):c.1479dup (p.Ala494fs)

Gene: FH (fumarate hydratase; minus strand). Cytogenetic location: 1q43.
Variant type: Duplication.
Coding change: c.1479dup on transcript NM_000143.4 (MANE Select); coding-DNA position 1479, one base duplicated (A; older notation c.1479dupA).
Protein change: p.Ala494fs; shifts the reading frame from alanine 494.
Molecular consequence: frameshift variant.
Genome position (GRCh38, 1-based): chr1:241,497,882, T duplicated on the plus strand (A on the coding strand, the reverse complement: FH is on the minus strand). VCF-style (leftmost placement, unchanged base first): chr1-241497881-C-CT. GRCh37 (hg19) VCF-style: chr1-241661181-C-CT.
Other names: c.1479dupA (NM_000143.3); short protein forms A494fs.
Identifiers: ClinVar variation 4825084 (VCV004825084.1).